The following is an entry in ClinVar:

ClinVar aggregate classification (germline): Benign (1 of 4 stars; one submission).

Allele frequency attached by ClinVar (database versions not stated): gnomAD 0.14740; 1000 Genomes Project 0.14916; TOPMed 0.15069; 1000 Genomes Project 30x 0.15600.

Submission:

Unidad de Genómica Garrahan, Hospital de Pediatría Garrahan
Classification: Benign. Last evaluated: 2024-07-15. Review status: criteria provided, single submitter. Criteria: ACMG Guidelines, 2015. Collection method: clinical testing. Allele origin: germline. Affected: no. Observed: 45 variant alleles.
Comment: This variant is classified as Benign based on local population frequency. This variant was detected in 48% of patients studied in a panel designed for Epileptic and Developmental Encephalopathy and Progressive Myoclonus Epilepsy. Number of patients: 45. Only high quality variants are reported.

NM_001365536.1(SCN9A):c.4775-54C>T

Genes: SCN1A-AS1 (SCN1A and SCN9A antisense RNA 1; plus strand), SCN9A (sodium voltage-gated channel alpha subunit 9; minus strand). Cytogenetic location: 2q24.3.
Variant type: single nucleotide variant.
Coding change: c.4775-54C>T on transcript NM_001365536.1 (MANE Select); 54 bases into the intron before coding-DNA position 4775, C replaced by T.
Molecular consequence: intron variant.
Genome position (GRCh38, 1-based): chr2:166,199,918, G>A on the plus strand (C>T on the coding strand, the complement: SCN9A is on the minus strand). VCF-style: chr2-166199918-G-A. GRCh37 (hg19) VCF-style: chr2-167056428-G-A.
Other names: c.4742-54C>T (NM_002977.4).
Identifiers: ClinVar variation 3255272 (VCV003255272.2), dbSNP rs4303728.